The following is an entry in ClinVar:

ClinVar aggregate classification (germline): Uncertain significance (1 of 4 stars; one submission).

gnomAD v4.1: 3 of 1,582,850 alleles (0.00019%); highest among the groups gnomAD compares: Non-Finnish European, 0.00026%; no homozygotes.

Submission:

Ambry Genetics
Classification: Uncertain significance. Last evaluated: 2025-07-25. Review status: criteria provided, single submitter. Criteria: Ambry Variant Classification Scheme 2023. Collection method: clinical testing. Allele origin: germline.
Comment: The p.T29K variant (also known as c.86C>A), located in coding exon 1 of the FAM175A gene, results from a C to A substitution at nucleotide position 86. The threonine at codon 29 is replaced by lysine, an amino acid with similar properties. This amino acid position is conserved. In addition, this alteration is predicted to be tolerated by in silico analysis. Based on the available evidence, the clinical significance of this variant remains unclear.

NM_139076.3(ABRAXAS1):c.86C>A (p.Thr29Lys)

Genes: ABRAXAS1 (abraxas 1, BRCA1 A complex subunit; minus strand), LOC129992784 (ATAC-STARR-seq lymphoblastoid silent region 15542; plus strand). Cytogenetic location: 4q21.23.
Variant type: single nucleotide variant.
Coding change: c.86C>A on transcript NM_139076.3 (MANE Select); coding-DNA position 86, C replaced by A.
Protein change: p.Thr29Lys; replaces threonine 29 with lysine.
Molecular consequence: missense variant. On other transcripts: 5 prime UTR variant (1).
Genome position (GRCh38, 1-based): chr4:83,484,987, G>T on the plus strand (C>A on the coding strand, the complement: ABRAXAS1 is on the minus strand). VCF-style: chr4-83484987-G-T. GRCh37 (hg19) VCF-style: chr4-84406140-G-T.
Other names: c.-175C>A (NM_001345962.2); short protein forms T29K.
Identifiers: ClinVar variation 4183389 (VCV004183389.1).
Genomic context (GRCh38, chr4:83,484,987, plus strand): 5'-AGGCCGCGCGCAGGGCTCTTCCCAGGCGACGCCGGACCCCGCCCCGTCCCTCGGCTCACC[G>T]TGTCCGAGTCCGTGTTGAGGTGCTGGAAAGCGAGTGCGCCGAGCACAAAGCCCGAGAGCA-3'
Protein context (NP_620775.2, residues 19-39): AFQHLNTDSD[Thr29Lys]EGFLLGEVKG